The following is an entry in ClinVar:

ClinVar aggregate classification (germline): Uncertain significance. Review status: criteria provided, multiple submitters, no conflicts (2 of 4 stars). 3 submissions from 3 submitters: Uncertain significance (3). Last evaluated 2025-07-07.

Conditions:
Familial cancer of breast. Also called: Hereditary breast cancer; BREAST CANCER, FAMILIAL; hereditary breast carcinoma. Identifiers: Orphanet 227535, MedGen C0346153, MONDO:0016419, OMIM 114480. Disease mechanism: loss of function.
Hereditary cancer-predisposing syndrome. Also called: Hereditary neoplastic syndrome; Tumor predisposition; Neoplastic Syndromes, Hereditary; Hereditary Cancer Syndrome. Identifiers: Orphanet 140162, MedGen C0027672, MeSH D009386, MONDO:0015356.

Submissions (3):

Labcorp Genetics (formerly Invitae), Labcorp
Classification: Uncertain significance for Familial cancer of breast. Last evaluated: 2025-07-07. Review status: criteria provided, single submitter. Criteria: Invitae Variant Classification Sherloc (09022015). Collection method: clinical testing. Allele origin: germline.
Comment: This sequence change replaces histidine, which is basic and polar, with aspartic acid, which is acidic and polar, at codon 345 of the CHEK2 protein (p.His345Asp). This variant is not present in population databases (gnomAD no frequency). This variant has not been reported in the literature in individuals affected with CHEK2-related conditions. ClinVar contains an entry for this variant (Variation ID: 420971). An algorithm developed to predict the effect of missense changes on protein structure and function (PolyPhen-2) suggests that this variant is likely to be disruptive. In summary, the available evidence is currently insufficient to determine the role of this variant in disease. Therefore, it has been classified as a Variant of Uncertain Significance.

Ambry Genetics
Classification: Uncertain significance for Hereditary cancer-predisposing syndrome. Last evaluated: 2025-06-22. Review status: criteria provided, single submitter. Criteria: Ambry Variant Classification Scheme 2023. Collection method: clinical testing. Allele origin: germline.
Comment: The p.H345D variant (also known as c.1033C>G), located in coding exon 9 of the CHEK2 gene, results from a C to G substitution at nucleotide position 1033. The histidine at codon 345 is replaced by aspartic acid, an amino acid with similar properties. This amino acid position is conserved. In addition, this alteration is predicted to be deleterious by in silico analysis. Since supporting evidence is limited at this time, the clinical significance of this alteration remains unclear.

GeneDx
Classification: Uncertain significance. Last evaluated: 2016-04-18. Review status: criteria provided, single submitter. Criteria: GeneDx Variant Classification (06012015). Collection method: clinical testing. Allele origin: germline. Affected: yes.
Comment: This variant is denoted CHEK2 c.1033C>G at the cDNA level, p.His345Asp (H345D) at the protein level, and results in the change of a Histidine to an Aspartic Acid (CAC>GAC). This variant has not, to our knowledge, been published in the literature as pathogenic or benign. CHEK2 His345Asp was not observed in approximately 6,500 individuals of European and African American ancestry in the NHLBI Exome Sequencing Project, suggesting it is not a common benign variant in these populations. Since Histidine and Aspartic Acid differ in polarity, charge, size or other properties, this is considered a non-conservative amino acid substitution. CHEK2 His345Asp occurs at a position that is conserved across species and is located in the protein kinase domain (Desrichard 2011, Roeb 2012). In silico analyses predict that this variant is probably damaging to protein structure and function. Based on currently available evidence, it is unclear whether CHEK2 His345Asp is a pathogenic or benign variant. We consider it to be a variant of uncertain significance.

NM_007194.4(CHEK2):c.1033C>G (p.His345Asp)

Gene: CHEK2 (checkpoint kinase 2; minus strand). Cytogenetic location: 22q12.1.
Variant type: single nucleotide variant.
Coding change: c.1033C>G on transcript NM_007194.4 (MANE Select); coding-DNA position 1033, C replaced by G.
Protein change: p.His345Asp; replaces histidine 345 with aspartic acid.
Molecular consequence: missense variant. On other transcripts: intron variant (3).
Genome position (GRCh38, 1-based): chr22:28,696,963, G>C on the plus strand (C>G on the coding strand, the complement: CHEK2 is on the minus strand). VCF-style: chr22-28696963-G-C. GRCh37 (hg19) VCF-style: chr22-29092951-G-C.
Other names: c.1162C>G, p.His388Asp (NM_001005735.3); c.370C>G, p.His124Asp (NM_001257387.3, NM_001437942.1); c.832C>G, p.His278Asp (NM_001349956.3); c.1126C>G, p.His376Asp (NM_001438293.1); c.1009-1090C>G (NM_145862.3); c.1102-1090C>G (NM_001438295.1); c.1138-1090C>G (NM_001438294.1); short protein forms H345D, H124D, H278D, H388D, H376D.
Identifiers: ClinVar variation 420971 (VCV000420971.7), dbSNP rs864622537, ClinGen allele CA16621060.
Genomic context (GRCh38, chr22:28,696,963, plus strand): 5'-TTATAAGACAGTCCTCTTCTTGAGATGACAGTAAAACATTCTCTGGCTTTAAGTCACGGT[G>C]TATAATACCGTTTTCATGAAGGTACTACACAGAAAGGCAGGCATGACCCTCAGATTCATG-3'
Protein context (NP_009125.1, residues 335-355): VQYLHENGII[His345Asp]RDLKPENVLL